The following is an entry in ClinVar:

NM_000327.4(ROM1):c.245G>C (p.Gly82Ala)

Gene: ROM1 (retinal outer segment membrane protein 1; plus strand). Cytogenetic location: 11q12.3.
Variant type: single nucleotide variant.
Coding change: c.245G>C on transcript NM_000327.4 (MANE Select); coding-DNA position 245, G replaced by C.
Protein change: p.Gly82Ala; replaces glycine 82 with alanine.
Molecular consequence: missense variant.
Genome position (GRCh38, 1-based): chr11:62,613,526, G>C. VCF-style: chr11-62613526-G-C. GRCh37 (hg19) VCF-style: chr11-62380998-G-C.
Other names: short protein forms G82A.
Identifiers: ClinVar variation 3720731 (VCV003720731.2).
Genomic context (GRCh38, chr11:62,613,526, plus strand): 5'-TGCCCCAGGCTGCCCTGGCAGCGGGCGCGGTGGCTCTGGGCACAGGACTAGTGGGTGTAG[G>C]AGCCAGCCGGGCAAGTCTGAATGCAGCTCTATACCCTCCCTGGCGAGGGGTCCTGGGCCC-3'
Protein context (NP_000318.2, residues 72-92): VALGTGLVGV[Gly82Ala]ASRASLNAAL

ClinVar aggregate classification (germline): Uncertain significance (1 of 4 stars; one submission).

gnomAD v4.1: 2 of 1,613,872 alleles (0.00012%); highest among the groups gnomAD compares: Non-Finnish European, 0.00017%; no homozygotes.

Submission:

Labcorp Genetics (formerly Invitae), Labcorp
Classification: Uncertain significance. Last evaluated: 2024-10-11. Review status: criteria provided, single submitter. Criteria: Invitae Variant Classification Sherloc (09022015). Collection method: clinical testing. Allele origin: germline.
Comment: This sequence change replaces glycine, which is neutral and non-polar, with alanine, which is neutral and non-polar, at codon 82 of the ROM1 protein (p.Gly82Ala). The frequency data for this variant in the population databases is considered unreliable, as metrics indicate poor data quality at this position in the gnomAD database. This variant has not been reported in the literature in individuals affected with ROM1-related conditions. Invitae Evidence Modeling of protein sequence and biophysical properties (such as structural, functional, and spatial information, amino acid conservation, physicochemical variation, residue mobility, and thermodynamic stability) indicates that this missense variant is not expected to disrupt ROM1 protein function with a negative predictive value of 80%. In summary, the available evidence is currently insufficient to determine the role of this variant in disease. Therefore, it has been classified as a Variant of Uncertain Significance.